The following is an entry in ClinVar:

NM_001379029.1(CERT1):c.649T>G (p.Leu217Val)

Gene: CERT1 (ceramide transporter 1; minus strand). Cytogenetic location: 5q13.3.
Variant type: single nucleotide variant.
Coding change: c.649T>G on transcript NM_001379029.1 (MANE Select); coding-DNA position 649, T replaced by G.
Protein change: p.Leu217Val; replaces leucine 217 with valine.
Molecular consequence: missense variant.
Genome position (GRCh38, 1-based): chr5:75,419,371, A>C on the plus strand (T>G on the coding strand, the complement: CERT1 is on the minus strand). VCF-style: chr5-75419371-A-C. GRCh37 (hg19) VCF-style: chr5-74715196-A-C.
Other names: c.1033T>G, p.Leu345Val (NM_001130105.1); c.649T>G, p.Leu217Val (NM_001379002.1, NM_001379003.1, NM_001379004.1 and 2 more transcripts); short protein forms L217V, L345V.
Identifiers: ClinVar variation 4874452 (VCV004874452.2).
Genomic context (GRCh38, chr5:75,419,371, plus strand): 5'-TCCAGCTGAGGGGAAAAATGTATTACTTACACTTTTCTTTATTGCCGTTGGTACTATGCA[A>C]GAAGTCACCATCAGAACGCGTTGTAGGAAAGTCATCTTCATCATCTTCTACCACTAAATA-3'
Protein context (NP_001365958.1, residues 207-227): FPTTRSDGDF[Leu217Val]HSTNGNKEKL

ClinVar aggregate classification (germline): Likely benign (1 of 4 stars; one submission).

gnomAD v4.1: 13 of 1,613,018 alleles (0.00081%); highest among the groups gnomAD compares: Admixed American, 0.022%; no homozygotes.

Submission:

CeGaT Center for Human Genetics Tuebingen
Classification: Likely benign. Last evaluated: 2026-06-01. Review status: criteria provided, single submitter. Criteria: CeGaT Center For Human Genetics Tuebingen Variant Classification Criteria Version 2. Collection method: clinical testing. Allele origin: germline. Affected: yes. Observed: 1 variant allele.
Comment: CERT1: BP4